The following is an entry in ClinVar:

ClinVar aggregate classification (germline): Uncertain significance. Review status: criteria provided, multiple submitters, no conflicts (2 of 4 stars). 11 submissions from 11 submitters: Uncertain significance (10). 1 of the submissions does not count toward it. Last evaluated 2026-02-20.

Conditions:
Colorectal cancer. Also called: Colorectal cancer, somatic; Malignant Colorectal Neoplasm. Identifiers: MedGen C0346629, MONDO:0005575, OMIM 114500.
Hereditary cancer-predisposing syndrome. Also called: Hereditary Cancer Syndrome; Hereditary neoplastic syndrome; Tumor predisposition; Neoplastic Syndromes, Hereditary. Identifiers: Orphanet 140162, MedGen C0027672, MeSH D009386, MONDO:0015356.
Bloom syndrome (BLM). Also called: Bloom-Torre-Machacek syndrome. Identifiers: Orphanet 125, MedGen C0005859, MONDO:0008876, OMIM 210900.

Allele frequency attached by ClinVar (database versions not stated): TOPMed 0.00009; gnomAD 0.00013.
gnomAD v4.1: 299 of 1,604,530 alleles (0.019%); highest among the groups gnomAD compares: Non-Finnish European, 0.024%; no homozygotes.

Submissions (11):

St. Jude Molecular Pathology, St. Jude Children's Research Hospital
Classification: Uncertain significance for Bloom syndrome. Last evaluated: 2026-02-20. Review status: criteria provided, single submitter. Criteria: St. Jude Assertion Criteria 2020. Collection method: clinical testing. Allele origin: germline.
Comment: The BLM c.3044C>T p.(Thr1015Ile) m issense change has a maximum subpopulation frequency of 0.025% in gnomAD v2.1.1. The in silico tool REVEL is inconclusive about a pathogenic or benign effect of this variant on protein function, and to our knowledge functional studies have not been performed. To our knowledge, this variant has not been reported in individuals with Bloom syndrome. In summary, this variant meets criteria to be classified as of uncertain significance.

Labcorp Genetics (formerly Invitae), Labcorp
Classification: Uncertain significance for Bloom syndrome. Last evaluated: 2026-01-25. Review status: criteria provided, single submitter. Criteria: Invitae Variant Classification Sherloc (09022015). Collection method: clinical testing. Allele origin: germline.
Comment: This sequence change replaces threonine, which is neutral and polar, with isoleucine, which is neutral and non-polar, at codon 1015 of the BLM protein (p.Thr1015Ile). This variant is present in population databases (rs202196488, gnomAD 0.02%). This variant has not been reported in the literature in individuals affected with BLM-related conditions. ClinVar contains an entry for this variant (Variation ID: 127494). Invitae Evidence Modeling of protein sequence and biophysical properties (such as structural, functional, and spatial information, amino acid conservation, physicochemical variation, residue mobility, and thermodynamic stability) indicates that this missense variant is not expected to disrupt BLM protein function with a negative predictive value of 80%. In summary, the available evidence is currently insufficient to determine the role of this variant in disease. Therefore, it has been classified as a Variant of Uncertain Significance.

Quest Diagnostics Nichols Institute San Juan Capistrano
Classification: Uncertain significance. Last evaluated: 2025-09-12. Review status: criteria provided, single submitter. Criteria: Quest Diagnostics criteria. Collection method: clinical testing. Allele origin: unknown.
Comment: The BLM c.3044C>T (p.Thr1015Ile) variant has been reported in the published literature in individuals affected with pediatric cancer (PMIDs: 31970404 (2020), 25186949 (2014)). The frequency of this variant in the general population (Genome Aggregation Database) is uninformative in the assessment of its pathogenicity. Analysis of this variant using bioinformatics tools for the prediction of the effect of amino acid changes on protein structure and function yielded predictions that this variant is benign. Based on the available information, we are unable to determine the clinical significance of this variant.

GeneDx
Classification: Uncertain significance. Last evaluated: 2025-05-14. Review status: criteria provided, single submitter. Criteria: GeneDx Variant Classification Process June 2021. Collection method: clinical testing. Allele origin: germline. Affected: yes.
Comment: In silico analysis supports that this missense variant has a deleterious effect on protein structure/function; Has not been previously published as pathogenic or benign to our knowledge; This variant is associated with the following publications: (PMID: 25186949, 31970404, 38482671)

Women's Health and Genetics/Laboratory Corporation of America, LabCorp
Classification: Uncertain significance. Last evaluated: 2024-11-21. Review status: criteria provided, single submitter. Criteria: LabCorp Variant Classification Summary - May 2015. Collection method: clinical testing. Allele origin: germline.
Comment: Variant summary: BLM c.3044C>T (p.Thr1015Ile) results in a non-conservative amino acid change located in the Superfamilies 1 and 2 helicase C-terminal domain (IPR001650) of the encoded protein sequence. Three of five in-silico tools predict a benign effect of the variant on protein function. The variant allele was found at a frequency of 0.00012 in 248866 control chromosomes, predominantly at a frequency of 0.00024 within the Non-Finnish European subpopulation in the gnomAD database. This frequency is not significantly higher than expected for a pathogenic variant in BLM causing Bloom Syndrome (0.00012 vs 0.0035), allowing no conclusion about variant significance. This frequency is not significantly higher than estimated for a pathogenic variant in BLM causing Bloom Syndrome (0.00012 vs 0.0035), allowing no conclusion about variant significance. c.3044C>T has been reported in the literature in individuals affected with pediatric cancers (e.g. Muskens_2020, Crompton_2014), which is a known component of Bloom Syndrome. These reports do not provide unequivocal conclusions about association of the variant with Bloom Syndrome. To our knowledge, no experimental evidence demonstrating an impact on protein function has been reported. The following publications have been ascertained in the context of this evaluation (PMID: 25186949, 31970404). ClinVar contains an entry for this variant (Variation ID: 127494). Based on the evidence outlined above, the variant was classified as uncertain significance.

Fulgent Genetics
Classification: Uncertain significance for Bloom syndrome. Last evaluated: 2024-01-31. Review status: criteria provided, single submitter. Criteria: ACMG Guidelines, 2015. Collection method: clinical testing. Allele origin: germline.

Department of Pathology and Laboratory Medicine, Sinai Health System
Classification: Uncertain significance for colorectal cancer. Last evaluated: 2023-12-15. Review status: criteria provided, single submitter. Criteria: ACMG Guidelines, 2015. Collection method: research. Allele origin: germline.

Ambry Genetics
Classification: Uncertain significance for Hereditary cancer-predisposing syndrome. Last evaluated: 2023-08-02. Review status: criteria provided, single submitter. Criteria: Ambry Variant Classification Scheme 2023. Collection method: clinical testing. Allele origin: germline.
Comment: The p.T1015I variant (also known as c.3044C>T), located in coding exon 15 of the BLM gene, results from a C to T substitution at nucleotide position 3044. The threonine at codon 1015 is replaced by isoleucine, an amino acid with similar properties. This amino acid position is well conserved in available vertebrate species. In addition, the in silico prediction for this alteration is inconclusive. Since supporting evidence is limited at this time, the clinical significance of this alteration remains unclear.

Institute for Clinical Genetics, University Hospital TU Dresden, University Hospital TU Dresden
Classification: Uncertain significance. Last evaluated: 2021-11-03. Review status: criteria provided, single submitter. Criteria: ACMG Guidelines, 2015. Collection method: clinical testing. Allele origin: germline.

Sema4
Classification: Uncertain significance for Hereditary cancer-predisposing syndrome. Last evaluated: 2021-07-27. Review status: criteria provided, single submitter. Criteria: Sema4 Curation Guidelines. Collection method: curation. Allele origin: germline.
Comment: The BLM c.3044C>T (p.T1015I) variant has not been reported in the literature to our knowledge. It was observed in 33/128234 chromosomes of the European (non-Finnish) subpopulation, with no homozygotes, in the large and broad cohorts of the Genome Aggregation Database (PMID: 32461654) and has been reported in ClinVar (Variation ID 127494). Functional studies have not been performed, and in silico predictions of the variant's effect on protein function are inconclusive. The evidence is insufficient to meet ACMG/AMP criteria for classifying the variant as benign or pathogenic. Thus, the clinical significance of this variant is currently uncertain.

Natera, Inc.
Classification: Uncertain significance for Bloom syndrome. Last evaluated: 2020-09-16. Review status: no assertion criteria provided. Collection method: clinical testing. Allele origin: germline. Not counted in ClinVar's aggregate classification.

Literature cited by the submitters: PubMed 31970404 (cited by Quest Diagnostics Nichols Institute San Juan Capistrano and Women's Health and Genetics/Laboratory Corporation of America, LabCorp); PubMed 25186949 (cited by Quest Diagnostics Nichols Institute San Juan Capistrano and Women's Health and Genetics/Laboratory Corporation of America, LabCorp).

NM_000057.4(BLM):c.3044C>T (p.Thr1015Ile)

Gene: BLM (BLM RecQ like helicase; plus strand). Cytogenetic location: 15q26.1.
Variant type: single nucleotide variant.
Coding change: c.3044C>T on transcript NM_000057.4 (MANE Select); coding-DNA position 3044, C replaced by T.
Protein change: p.Thr1015Ile; replaces threonine 1015 with isoleucine.
Molecular consequence: missense variant.
Genome position (GRCh38, 1-based): chr15:90,794,191, C>T. VCF-style: chr15-90794191-C-T. GRCh37 (hg19) VCF-style: chr15-91337421-C-T.
Other names: p.T1015I:ACA>ATA; c.3044C>T, p.Thr1015Ile (NM_001287246.2, NM_001287247.2); c.1919C>T, p.Thr640Ile (NM_001287248.2); c.3044C>T (LRG_20t1); short protein forms T1015I, T640I.
Identifiers: ClinVar variation 127494 (VCV000127494.31), dbSNP rs202196488, ClinGen allele CA287087.
Genomic context (GRCh38, chr15:90,794,191, plus strand): 5'-ATAAGTATGTCTTACTATAGTCTTCATCTCTTTTAGTGGAAAAAGATGGAAACCATCATA[C>T]AAGAGAAACTCACTTCAATAATTTGTATAGCATGGTACATTACTGTGAAAATATAACGGA-3'
Protein context (NP_000048.1, residues 1005-1025): IMMEKDGNHH[Thr1015Ile]RETHFNNLYS